The following is an entry in ClinVar:

ClinVar aggregate classification (germline): Pathogenic. Review status: criteria provided, multiple submitters, no conflicts (2 of 4 stars). 2 submissions from 2 submitters: Pathogenic (2). Last evaluated 2025-05-01.

Conditions:
Polycystic kidney disease, adult type (PKD1). Also called: Polycystic Kidney Disease 1, Autosomal Dominant; Polycystic kidney disease 1; Polycystic kidney disease 1, severe; Polycystic Kidney, Autosomal Dominant; POLYCYSTIC KIDNEY DISEASE 1 WITH OR WITHOUT POLYCYSTIC LIVER DISEASE; POLYCYSTIC KIDNEY DISEASE, ADULT, TYPE I. Identifiers: MedGen C3149841, MONDO:0008263, OMIM 173900.

Submissions (2):

Women's Health and Genetics/Laboratory Corporation of America, LabCorp
Classification: Pathogenic for Polycystic kidney disease, adult type. Last evaluated: 2025-05-01. Review status: criteria provided, single submitter. Criteria: LabCorp Variant Classification Summary - May 2015. Collection method: clinical testing. Allele origin: germline.
Comment: Variant summary: PKD1 c.4650dupG (p.Leu1551Alafs*27) results in a premature termination codon, predicted to cause a truncation of the encoded protein or absence of the protein due to nonsense mediated decay, which are commonly known mechanisms for disease. The variant was absent in 247826 control chromosomes. c.4650dupG has been observed in individuals affected with Polycystic Kidney Disease 1 (e.g., Kim_2019, Xu_2024). To our knowledge, no experimental evidence demonstrating an impact on protein function has been reported. The following publications have been ascertained in the context of this evaluation (PMID: 31740684, 38527221). ClinVar contains an entry for this variant (Variation ID: 1805466). Based on the evidence outlined above, the variant was classified as pathogenic.

Victorian Clinical Genetics Services, Murdoch Childrens Research Institute
Classification: Pathogenic for Polycystic kidney disease, adult type. Last evaluated: 2022-03-31. Review status: criteria provided, single submitter. Criteria: ACMG Guidelines, 2015. Collection method: clinical testing. Allele origin: germline. Inheritance: Autosomal dominant inheritance.
Comment: Based on the classification scheme VCGS_Germline_v1.3.4, this variant is classified as Pathogenic. Following criteria are met: 0102 - Loss of function is a known mechanism of disease in this gene and is associated with polycystic kidney disease 1 (MIM#173900). (I) 0107 - This gene is associated with autosomal dominant disease. Polycystic kidney disease 1 (MIM#173900) is predominantly caused by monoallelic variants, with rare reports of biallelic variants causing disease (OMIM). (I) 0201 - Variant is predicted to cause nonsense-mediated decay (NMD) and loss of protein (premature termination codon is located at least 54 nucleotides upstream of the final exon-exon junction). (SP) 0251 - This variant is heterozygous. (I) 0301 - Variant is absent from gnomAD (both v2 and v3). (SP) 0701 - Other null variants comparable to the one identified in this case have very strong previous evidence for pathogenicity. There are at least ten NMD-predicted variants that have been classified as likely pathogenic or pathogenic (DECIPHER). (SP) 0803 - This variant has limited previous evidence of pathogenicity in an unrelated individual. (SP) 0905 - No published segregation evidence has been identified for this variant. (I) 1007 - No published functional evidence has been identified for this variant. (I) 1208 - Inheritance information for this variant is not currently available in this individual. (I) Legend: (SP) - Supporting pathogenic, (I) - Information, (SB) - Supporting benign

Literature cited by the submitters: PubMed 31740684 (cited by Women's Health and Genetics/Laboratory Corporation of America, LabCorp and Victorian Clinical Genetics Services, Murdoch Childrens Research Institute); PubMed 38527221 (cited by Women's Health and Genetics/Laboratory Corporation of America, LabCorp).

NM_001009944.3(PKD1):c.4650dup (p.Leu1551fs)

Gene: PKD1 (polycystin 1, transient receptor potential channel interacting; minus strand). Cytogenetic location: 16p13.3.
Variant type: Duplication.
Coding change: c.4650dup on transcript NM_001009944.3 (MANE Select); coding-DNA position 4650, one base duplicated (G; older notation c.4650dupG).
Protein change: p.Leu1551fs; shifts the reading frame from leucine 1551.
Molecular consequence: frameshift variant.
Genome position (GRCh38, 1-based): chr16:2,110,517, C duplicated on the plus strand (G on the coding strand, the reverse complement: PKD1 is on the minus strand); the first of 5 consecutive C bases (chr16:2,110,517-2,110,521); duplicating any one gives the same sequence. VCF-style (leftmost placement, unchanged base first): chr16-2110516-G-GC. GRCh37 (hg19) VCF-style: chr16-2160517-G-GC.
Other names: c.4650dup, p.Leu1551fs (NM_000296.4); c.4650dupG (NM_001009944.2, NM_001009944.3); short protein forms L1551fs.
Identifiers: ClinVar variation 1805466 (VCV001805466.2), dbSNP rs2092474542, ClinGen allele CA2573102964.
Genomic context (GRCh38, chr16:2,110,516, plus strand): 5'-ACGTGCTGAAGCTCACGCTCCCATTCAGGGGCACCACCGTGCGGCTTGCATTGACGACGA[G>GC]CCCCCGCACGCGCCGCTTCACCGTCACATTGAGCCAGGCCTCGCTGCGGCTCACCTCATT-3'